The following is an entry in ClinVar:

NM_080680.3(COL11A2):c.2081_2085delinsA (p.Gly694fs)

Gene: COL11A2 (collagen type XI alpha 2 chain; minus strand). Cytogenetic location: 6p21.32.
Variant type: Indel.
Coding change: c.2081_2085delinsA on transcript NM_080680.3 (MANE Select); coding-DNA positions 2081 to 2085, GGAAG replaced by A.
Protein change: p.Gly694fs; shifts the reading frame from glycine 694.
Molecular consequence: frameshift variant.
Genome position (GRCh38, 1-based): chr6:33,176,751-33,176,755, CTTCC replaced by T on the plus strand (GGAAG replaced by A on the coding strand, the reverse complement: COL11A2 is on the minus strand). VCF-style: chr6-33176751-CTTCC-T. GRCh37 (hg19) VCF-style: chr6-33144528-CTTCC-T.
Other names: c.1760_1764delinsA, p.Gly587fs (NM_080679.3); c.1823_1827delinsA, p.Gly608fs (NM_080681.3); short protein forms G587fs, G608fs, G694fs.
Identifiers: ClinVar variation 290911 (VCV000290911.39), dbSNP rs886044584, ClinGen allele CA10606941.

ClinVar aggregate classification (germline): Pathogenic/Likely pathogenic. Review status: criteria provided, multiple submitters, no conflicts (2 of 4 stars). 5 submissions from 5 submitters: Pathogenic (4); Likely pathogenic (1). Last evaluated 2025-08-26.

Conditions:
Otospondylomegaepiphyseal dysplasia, autosomal recessive (OSMEDB). Also called: Insley-Astley syndrome; CHONDRODYSTROPHY WITH SENSORINEURAL DEAFNESS. Identifiers: Orphanet 1427, MedGen CN034493, MONDO:0044206, OMIM 215150.

Submissions (5):

3billion
Classification: Pathogenic for Otospondylomegaepiphyseal dysplasia, autosomal recessive. Last evaluated: 2025-08-26. Review status: criteria provided, single submitter. Criteria: ACMG Guidelines, 2015. Collection method: clinical testing. Allele origin: germline. Affected: yes.
Comment: The variant is not observed in the gnomAD v4.1.0 dataset. Predicted Consequence/Location: Frameshift: predicted to result in a loss or disruption of normal protein function through nonsense-mediated decay (NMD) or protein truncation. Multiple pathogenic variants are reported downstream of the variant. The variant has been reported at least twice as pathogenic with clinical assertions and evidence for the classification (ClinVar ID: VCV000290911). Therefore, this variant is classified as Pathogenic according to the recommendation of ACMG/AMP guideline.

Institute of Human Genetics, University of Leipzig Medical Center
Classification: Pathogenic for Otospondylomegaepiphyseal dysplasia, autosomal recessive. Last evaluated: 2023-02-14. Review status: criteria provided, single submitter. Criteria: ACMG Guidelines, 2015. Collection method: clinical testing. Allele origin: inherited. Affected: yes.
Comment: This variant was identified as homozygous._x000D_ Criteria applied: PVS1, PM2_SUP, PM3_SUP

Revvity Omics, Revvity
Classification: Likely pathogenic. Last evaluated: 2021-02-18. Review status: criteria provided, single submitter. Criteria: ACMG Guidelines, 2015. Collection method: clinical testing. Allele origin: germline.

CeGaT Center for Human Genetics Tuebingen
Classification: Pathogenic. Last evaluated: 2019-11-01. Review status: criteria provided, single submitter. Criteria: CeGaT Center For Human Genetics Tuebingen Variant Classification Criteria Version 2. Collection method: clinical testing. Allele origin: germline. Affected: yes. Observed: 4 variant alleles.

Eurofins Ntd Llc (ga)
Classification: Pathogenic. Last evaluated: 2016-08-30. Review status: criteria provided, single submitter. Criteria: EGL Classification Definitions 2015. Collection method: clinical testing. Allele origin: germline. Observed: 1 variant allele, 1 homozygote.